The following is an entry in ClinVar:

ClinVar aggregate classification (germline): Pathogenic (1 of 4 stars; one submission).

Submission:

Baylor Genetics
Classification: Pathogenic. Last evaluated: 2018-11-01. Review status: criteria provided, single submitter. Criteria: ACMG CNV Guidelines, 2011. Collection method: clinical testing. Allele origin: germline. Observed: 1 variant allele.

GRCh37/hg19 12p13.33-13.31(chr12:189216-8185497)

Genes: ACRBP (acrosin binding protein; minus strand), ACSM4 (acyl-CoA synthetase medium chain family member 4; plus strand), ADIPOR2 (adiponectin receptor 2; plus strand), AKAP3 (A-kinase anchoring protein 3; minus strand), ANO2 (anoctamin 2; minus strand) and 99 more. Cytogenetic location: 12p13.33-13.31.
Variant type: copy number gain.
Identifiers: ClinVar variation 625811 (VCV000625811.1).